The following is an entry in ClinVar:

ClinVar aggregate classification (germline): Pathogenic (1 of 4 stars; one submission).

Conditions:
Hereditary fructosuria. Also called: Fructose intolerance; Hereditary fructose intolerance; ALDOB DEFICIENCY; ALDOLASE B DEFICIENCY; FRUCTOSE-1,6-BISPHOSPHATE ALDOLASE B DEFICIENCY; FRUCTOSE-1-PHOSPHATE ALDOLASE DEFICIENCY. Identifiers: Orphanet 469, MedGen C0016751, MONDO:0009249, OMIM 229600, HP:0005973. Disease mechanism: loss of function.

Submission:

Broad Center for Mendelian Genomics, Broad Institute of MIT and Harvard
Classification: Pathogenic for Hereditary fructosuria. Last evaluated: 2023-08-24. Review status: criteria provided, single submitter. Criteria: ACMG/ClinGen CNV Guidelines, 2019. Collection method: research. Allele origin: inherited. Inheritance: Autosomal recessive inheritance. Affected: yes.
Comment: These breakpoints have been estimated by exome sequencing only and therefore may not reflect the true breakpoints. The patient phenotype is nonspecific, but is consistent with cases described in the literature and/or published databases with overlapping variants. This exon deletion has also been reported in seven individuals in the literature with hereditary fructose intolerance (PMID: 20848650, 22494545). Of these three affected individuals, at least one was a compound heterozygote who carried a reported pathogenic variant in trans and one was a homozygote, which increases the likelihood that this variant is pathogenic (PMID: 20848650, 22494545). This intragenic variant is predicted to cause a frameshift, which alters the protein’s amino acid sequence beginning at exon 2 and leads to a premature termination codon. This alteration is then predicted to lead to a truncated or absent protein. Loss of function of ALDOB is an established disease mechanism in autosomal recessive hereditary fructose intolerance. A deletion of similar genetic content to this variant has been identified in 0.1% (2/1930) of Latino chromosomes by the Genome Aggregation Database (gnomAD; Structural variant: DEL_9_104389). Although deletions overlapping the region of this CNV have been seen in the general population in a heterozygous state, its frequency is not high enough to rule out a pathogenic role. In summary, this variant meets criteria to be classified as pathogenic for autosomal recessive hereditary fructose intolerance. The ACMG/ClinGen evidence codes and points used in this curation are as follows: 1: 0 points, 2: 0.90 points, 4-5: 0.6 points; Total: 1.5 points; Riggs 2020 (PMID: 31690835)

Literature cited by the submitters: PubMed 20848650; PubMed 22494545.

GRCh38/hg38 9q31.1(chr9:101426458-101431155)x0

Genes: ALDOB (aldolase, fructose-bisphosphate B; minus strand), LOC130002261 (ATAC-STARR-seq lymphoblastoid active region 28725; plus strand). Cytogenetic location: 9q31.1.
Variant type: copy number loss.
Change: copy number 0 (both copies lost) of chr9:101,426,458-101,431,155 (4.7 kb, GRCh38 coordinates, 1-based), cytogenetic band 9q31.1.
Identifiers: ClinVar variation 2579206 (VCV002579206.1).